The following is an entry in ClinVar:

ClinVar aggregate classification (germline): Uncertain significance (1 of 4 stars; one submission).

Conditions:
Radio-Tartaglia syndrome. Identifiers: Orphanet 662234, MedGen C5543339, MONDO:0859143, OMIM 619312.

Allele frequency attached by ClinVar (database versions not stated): gnomAD exomes 0.00001; TOPMed 0.00001.
gnomAD v4.1: 17 of 1,614,142 alleles (0.0011%); highest among the groups gnomAD compares: Non-Finnish European, 0.0014%; no homozygotes.

Submission:

Victorian Clinical Genetics Services, Murdoch Childrens Research Institute
Classification: Uncertain significance for Radio-Tartaglia syndrome. Last evaluated: 2022-02-02. Review status: criteria provided, single submitter. Criteria: ACMG Guidelines, 2015. Collection method: clinical testing. Allele origin: germline. Inheritance: Autosomal dominant inheritance.
Comment: Based on the classification scheme VCGS_Germline_v1.3.4, this variant is classified as VUS-3B. Following criteria are met: 0102 - Loss of function is a known mechanism of disease in this gene and is associated with Radio-Tartaglia syndrome (MIM#619312). (I) 0107 - This gene is associated with autosomal dominant disease. (I) 0115 - Variants in this gene are known to have variable expressivity (OMIM). (I) 0200 - Variant is predicted to result in a missense amino acid change from arginine to tryptophan. (I) 0251 - This variant is heterozygous. (I) 0301 - Variant is absent from gnomAD (both v2 and v3). (SP) 0309 - An alternative amino acid change at the same position has been observed in gnomAD (v2) (3 heterozygotes, 0 homozygotes). (I) 0501 - Missense variant consistently predicted to be damaging by multiple in silico tools or highly conserved with a major amino acid change. (SP) 0604 - Variant is not located in an established domain, motif, hotspot or informative constraint region. (I) 0705 - No comparable missense variants have previous evidence for pathogenicity. (I) 0807 - This variant has no previous evidence of pathogenicity. (I) 0905 - No published segregation evidence has been identified for this variant. (I) 1007 - No published functional evidence has been identified for this variant. (I) 1208 - Inheritance information for this variant is not currently available in this individual. (I) Legend: (SP) - Supporting pathogenic, (I) - Information, (SB) - Supporting benign

NM_015001.3(SPEN):c.9361C>T (p.Arg3121Trp)

Gene: SPEN (spen family transcriptional repressor; plus strand). Cytogenetic location: 1p36.13.
Variant type: single nucleotide variant.
Coding change: c.9361C>T on transcript NM_015001.3 (MANE Select); coding-DNA position 9361, C replaced by T.
Protein change: p.Arg3121Trp; replaces arginine 3121 with tryptophan.
Molecular consequence: missense variant.
Genome position (GRCh38, 1-based): chr1:15,935,601, C>T. VCF-style: chr1-15935601-C-T. GRCh37 (hg19) VCF-style: chr1-16262096-C-T.
Other names: short protein forms R3121W.
Identifiers: ClinVar variation 1805177 (VCV001805177.1), dbSNP rs752299592, ClinGen allele CA18282722.